The following is an entry in ClinVar:

NM_001365951.3(KIF1B):c.3233A>C (p.Glu1078Ala)

Gene: KIF1B (kinesin family member 1B; plus strand). Cytogenetic location: 1p36.22.
Variant type: single nucleotide variant.
Coding change: c.3233A>C on transcript NM_001365951.3 (MANE Select); coding-DNA position 3233, A replaced by C.
Protein change: p.Glu1078Ala; replaces glutamic acid 1078 with alanine.
Molecular consequence: missense variant.
Genome position (GRCh38, 1-based): chr1:10,337,177, A>C. VCF-style: chr1-10337177-A-C. GRCh37 (hg19) VCF-style: chr1-10397235-A-C.
Other names: c.3233A>C, p.Glu1078Ala (NM_001365952.1); c.3095A>C, p.Glu1032Ala (NM_015074.3); short protein forms E1032A, E1078A.
Identifiers: ClinVar variation 2810065 (VCV002810065.3), dbSNP rs2521719593, ClinGen allele CA338340010.
Genomic context (GRCh38, chr1:10,337,177, plus strand): 5'-TGGAGGAGTTGAGGATTGTGGAAGGACAGGGTCAGAGTTCTGAGGTCATCACTCCTCCAG[A>C]AGAAATCAGTCGAATTAATGACTTGGGTATGTAGACATAGTTTACTGTGCTTGGGGACAT-3'
Protein context (NP_001352880.1, residues 1068-1088): GQSSEVITPP[Glu1078Ala]EISRINDLDL

ClinVar aggregate classification (germline): Uncertain significance (1 of 4 stars; one submission).

Conditions:
Charcot-Marie-Tooth disease type 2. Also called: Charcot-Marie-Tooth type 2. Identifiers: Orphanet 64746, MedGen C0270914, MONDO:0018993.

Submission:

Labcorp Genetics (formerly Invitae), Labcorp
Classification: Uncertain significance for Charcot-Marie-Tooth disease type 2. Last evaluated: 2023-01-07. Review status: criteria provided, single submitter. Criteria: Invitae Variant Classification Sherloc (09022015). Collection method: clinical testing. Allele origin: germline.
Comment: This variant is not present in population databases (gnomAD no frequency). In summary, the available evidence is currently insufficient to determine the role of this variant in disease. Therefore, it has been classified as a Variant of Uncertain Significance. Algorithms developed to predict the effect of missense changes on protein structure and function are either unavailable or do not agree on the potential impact of this missense change (SIFT: "Deleterious"; PolyPhen-2: "Probably Damaging"; Align-GVGD: "Class C0"). This variant has not been reported in the literature in individuals affected with KIF1B-related conditions. This sequence change replaces glutamic acid, which is acidic and polar, with alanine, which is neutral and non-polar, at codon 1032 of the KIF1B protein (p.Glu1032Ala).